The following is an entry in ClinVar:

NM_012238.5(SIRT1):c.207T>G (p.Gly69=)

Genes: SIRT1 (sirtuin 1; plus strand), LOC107832851 (SIRT1 promoter region; plus strand). Cytogenetic location: 10q21.3.
Variant type: single nucleotide variant.
Coding change: c.207T>G on transcript NM_012238.5 (MANE Select); coding-DNA position 207, T replaced by G.
Protein change: p.Gly69=; no amino-acid change (glycine 69 retained).
Molecular consequence: synonymous variant.
Genome position (GRCh38, 1-based): chr10:67,884,928, T>G. VCF-style: chr10-67884928-T-G. GRCh37 (hg19) VCF-style: chr10-69644686-T-G.
Identifiers: ClinVar variation 2640520 (VCV002640520.24), dbSNP rs1471411863, ClinGen allele CA469999965.

ClinVar aggregate classification (germline): Likely benign (1 of 4 stars; one submission).

Allele frequency attached by ClinVar (database versions not stated): gnomAD exomes below 0.00001.

Submission:

CeGaT Center for Human Genetics Tuebingen
Classification: Likely benign. Last evaluated: 2022-12-01. Review status: criteria provided, single submitter. Criteria: CeGaT Center For Human Genetics Tuebingen Variant Classification Criteria Version 2. Collection method: clinical testing. Allele origin: germline. Affected: yes. Observed: 1 variant allele.
Comment: SIRT1: PM2:Supporting, BP4, BP7